The following is an entry in ClinVar:

NM_177438.3(DICER1):c.1797dup (p.Asp600Ter)

Gene: DICER1 (dicer 1, ribonuclease III; minus strand). Cytogenetic location: 14q32.13.
Variant type: Duplication.
Coding change: c.1797dup on transcript NM_177438.3 (MANE Select); coding-DNA position 1797, one base duplicated (T; older notation c.1797dupT).
Protein change: p.Asp600Ter; replaces aspartic acid 600 with a stop codon.
Molecular consequence: nonsense. On other transcripts: non-coding transcript variant (6), frameshift variant (1).
Genome position (GRCh38, 1-based): chr14:95,115,777, A duplicated on the plus strand (T on the coding strand, the reverse complement: DICER1 is on the minus strand). VCF-style (leftmost placement, unchanged base first): chr14-95115776-C-CA. GRCh37 (hg19) VCF-style: chr14-95582113-C-CA.
Other names: c.1797dup, p.Asp600Ter (NM_001395694.1, NM_001395695.1, NM_030621.4 and 12 more transcripts); c.1392dup, p.Asp465Ter (NM_001395696.1, NM_001395698.1, NM_001395687.1 and 3 more transcripts); c.114dup, p.Asp39Ter (NM_001395697.1); c.1797dupT (NM_177438.2); c.1515dup, p.Asp506Ter (NM_001395686.1); c.1230dup, p.Asp411Ter (NM_001395691.1); short protein forms D411*, D506*, D600*, D39*, D465*.
Identifiers: ClinVar variation 4240522 (VCV004240522.1).

ClinVar aggregate classification (germline): Pathogenic (1 of 4 stars; one submission).

Conditions:
Hereditary cancer-predisposing syndrome. Also called: Hereditary Cancer Syndrome; Hereditary neoplastic syndrome; Neoplastic Syndromes, Hereditary; Tumor predisposition. Identifiers: Orphanet 140162, MedGen C0027672, MeSH D009386, MONDO:0015356.

Submission:

Ambry Genetics
Classification: Pathogenic for Hereditary cancer-predisposing syndrome. Last evaluated: 2025-08-26. Review status: criteria provided, single submitter. Criteria: Ambry Variant Classification Scheme 2023. Collection method: clinical testing. Allele origin: germline.
Comment: The c.1797dupT pathogenic mutation, located in coding exon 10 of the DICER1 gene, results from a duplication of T at nucleotide position 1797, causing a translational frameshift with a predicted alternate stop codon (p.D600*). This variant was reported in individual(s) with features consistent with DICER1-related tumor predisposition syndrome (Ambry internal data). This variant is considered to be rare based on population cohorts in the Genome Aggregation Database (gnomAD). This alteration is expected to result in loss of function by premature protein truncation or nonsense-mediated mRNA decay. As such, this alteration is interpreted as a disease-causing mutation.